The following is an entry in ClinVar:

NM_001042492.3(NF1):c.5837T>A (p.Leu1946Ter)

Gene: NF1 (neurofibromin 1; plus strand). Cytogenetic location: 17q11.2.
Variant type: single nucleotide variant.
Coding change: c.5837T>A on transcript NM_001042492.3 (MANE Select); coding-DNA position 5837, T replaced by A.
Protein change: p.Leu1946Ter; replaces leucine 1946 with a stop codon.
Molecular consequence: nonsense.
Genome position (GRCh38, 1-based): chr17:31,334,862, T>A. VCF-style: chr17-31334862-T-A. GRCh37 (hg19) VCF-style: chr17-29661880-T-A.
Other names: c.5774T>A, p.Leu1925Ter (NM_000267.4); short protein forms L1925*, L1946*.
Identifiers: ClinVar variation 4759299 (VCV004759299.2).

ClinVar aggregate classification (germline): Pathogenic/Likely pathogenic. Review status: criteria provided, multiple submitters, no conflicts (2 of 4 stars). 2 submissions from 2 submitters: Pathogenic (1); Likely pathogenic (1). Last evaluated 2026-02-24.

Conditions:
Neurofibromatosis, type 1 (NF1). Also called: VON RECKLINGHAUSEN DISEASE; NEUROFIBROMATOSIS, TYPE I, SOMATIC; Peripheral type neurofibromatosis; Neurofibromatosis, type I. Identifiers: Orphanet 636, MedGen C0027831, MONDO:0018975, OMIM 162200. Disease mechanism: loss of function.

Submissions (2):

Myriad Genetics, Inc.
Classification: Pathogenic for Neurofibromatosis, type 1. Last evaluated: 2026-02-24. Review status: criteria provided, single submitter. Criteria: Myriad Autosomal Dominant, Autosomal Recessive and X-Linked Classification Criteria (2023). Collection method: clinical testing. Allele origin: unknown.
Comment: This variant is considered pathogenic. This variant creates a termination codon and is predicted to result in premature protein truncation.

Institute for Genomic Medicine (IGM) Clinical Laboratory, Nationwide Children's Hospital
Classification: Likely pathogenic for Neurofibromatosis, type 1. Last evaluated: 2024-12-10. Review status: criteria provided, single submitter. Criteria: ACMG Guidelines, 2015. Collection method: clinical testing. Allele origin: germline.
Comment: This variant is predicted to result in loss of function through nonsense-mediated decay of the encoded transcript or premature truncation of the encoded protein in a gene in which loss of function is a known mechanism of disease (ACMG/AMP: PVS1). This variant is absent from or present at an exceedingly low frequency in gnomAD, a large-scale control population database (ACMG/AMP: PM2).